The following is an entry in ClinVar:

ClinVar aggregate classification (germline): Uncertain significance (1 of 4 stars; one submission).

Submission:

Labcorp Genetics (formerly Invitae), Labcorp
Classification: Uncertain significance. Last evaluated: 2024-05-27. Review status: criteria provided, single submitter. Criteria: Invitae Variant Classification Sherloc (09022015). Collection method: clinical testing. Allele origin: germline.
Comment: This sequence change replaces aspartic acid, which is acidic and polar, with glycine, which is neutral and non-polar, at codon 1065 of the GRIN2D protein (p.Asp1065Gly). The frequency data for this variant in the population databases is considered unreliable, as metrics indicate insufficient coverage at this position in the gnomAD database. This variant has not been reported in the literature in individuals affected with GRIN2D-related conditions. Advanced modeling of protein sequence and biophysical properties (such as structural, functional, and spatial information, amino acid conservation, physicochemical variation, residue mobility, and thermodynamic stability) performed at Invitae indicates that this missense variant is not expected to disrupt GRIN2D protein function with a negative predictive value of 95%. In summary, the available evidence is currently insufficient to determine the role of this variant in disease. Therefore, it has been classified as a Variant of Uncertain Significance.

NM_000836.4(GRIN2D):c.3194A>G (p.Asp1065Gly)

Gene: GRIN2D (glutamate ionotropic receptor NMDA type subunit 2D; plus strand). Cytogenetic location: 19q13.33.
Variant type: single nucleotide variant.
Coding change: c.3194A>G on transcript NM_000836.4 (MANE Select); coding-DNA position 3194, A replaced by G.
Protein change: p.Asp1065Gly; replaces aspartic acid 1065 with glycine.
Molecular consequence: missense variant.
Genome position (GRCh38, 1-based): chr19:48,443,120, A>G. VCF-style: chr19-48443120-A-G. GRCh37 (hg19) VCF-style: chr19-48946377-A-G.
Other names: short protein forms D1065G.
Identifiers: ClinVar variation 3636283 (VCV003636283.2).